The following is an entry in ClinVar:

ClinVar aggregate classification (germline): Uncertain significance (1 of 4 stars; one submission).

gnomAD v4.1: 1 of 1,614,066 alleles (0.000062%); highest among the groups gnomAD compares: Non-Finnish European, 0.000085%; no homozygotes.

Submission:

Women's Health and Genetics/Laboratory Corporation of America, LabCorp
Classification: Uncertain significance. Last evaluated: 2024-07-15. Review status: criteria provided, single submitter. Criteria: LabCorp Variant Classification Summary - May 2015. Collection method: clinical testing. Allele origin: germline.
Comment: Variant summary: CFTR c.593C>G (p.Ala198Gly) results in a non-conservative amino acid change located in the ABC transporter type 1, transmembrane domain (IPR011527) of the encoded protein sequence. Five of five in-silico tools predict a damaging effect of the variant on protein function. The variant was absent in 251440 control chromosomes. The available data on variant occurrences in the general population are insufficient to allow any conclusion about variant significance. To our knowledge, no occurrence of c.593C>G in individuals affected with Cystic Fibrosis and no experimental evidence demonstrating its impact on protein function have been reported. No submitters have cited clinical-significance assessments for this variant to ClinVar. Based on the evidence outlined above, the variant was classified as uncertain significance.

NM_000492.4(CFTR):c.593C>G (p.Ala198Gly)

Gene: CFTR (CF transmembrane conductance regulator; plus strand). Cytogenetic location: 7q31.2.
Variant type: single nucleotide variant.
Coding change: c.593C>G on transcript NM_000492.4 (MANE Select); coding-DNA position 593, C replaced by G.
Protein change: p.Ala198Gly; replaces alanine 198 with glycine.
Molecular consequence: missense variant.
Genome position (GRCh38, 1-based): chr7:117,535,261, C>G. VCF-style: chr7-117535261-C-G. GRCh37 (hg19) VCF-style: chr7-117175315-C-G.
Other names: short protein forms A198G.
Identifiers: ClinVar variation 3339497 (VCV003339497.1).